The following is an entry in ClinVar:

NM_000361.3(THBD):c.457T>G (p.Trp153Gly)

Gene: THBD (thrombomodulin; minus strand). Cytogenetic location: 20p11.21.
Variant type: single nucleotide variant.
Coding change: c.457T>G on transcript NM_000361.3 (MANE Select); coding-DNA position 457, T replaced by G.
Protein change: p.Trp153Gly; replaces tryptophan 153 with glycine.
Molecular consequence: missense variant.
Genome position (GRCh38, 1-based): chr20:23,049,048, A>C on the plus strand (T>G on the coding strand, the complement: THBD is on the minus strand). VCF-style: chr20-23049048-A-C. GRCh37 (hg19) VCF-style: chr20-23029685-A-C.
Other names: short protein forms W153G.
Identifiers: ClinVar variation 4710578 (VCV004710578.1).

ClinVar aggregate classification (germline): Uncertain significance (1 of 4 stars; one submission).

Submission:

Labcorp Genetics (formerly Invitae), Labcorp
Classification: Uncertain significance. Last evaluated: 2025-10-31. Review status: criteria provided, single submitter. Criteria: Invitae Variant Classification Sherloc (09022015). Collection method: clinical testing. Allele origin: germline.
Comment: This sequence change replaces tryptophan, which is neutral and slightly polar, with glycine, which is neutral and non-polar, at codon 153 of the THBD protein (p.Trp153Gly). This variant is not present in population databases (gnomAD no frequency). This variant has not been reported in the literature in individuals affected with THBD-related conditions. Invitae Evidence Modeling of protein sequence and biophysical properties (such as structural, functional, and spatial information, amino acid conservation, physicochemical variation, residue mobility, and thermodynamic stability) indicates that this missense variant is expected to disrupt THBD protein function with a positive predictive value of 80%. In summary, the available evidence is currently insufficient to determine the role of this variant in disease. Therefore, it has been classified as a Variant of Uncertain Significance.